The following is an entry in ClinVar:

NM_005591.4(MRE11):c.364G>C (p.Val122Leu)

Gene: MRE11 (MRE11 double strand break repair nuclease; minus strand). Cytogenetic location: 11q21.
Variant type: single nucleotide variant.
Coding change: c.364G>C on transcript NM_005591.4 (MANE Select); coding-DNA position 364, G replaced by C.
Protein change: p.Val122Leu; replaces valine 122 with leucine.
Molecular consequence: missense variant.
Genome position (GRCh38, 1-based): chr11:94,479,712, C>G on the plus strand (G>C on the coding strand, the complement: MRE11 is on the minus strand). VCF-style: chr11-94479712-C-G. GRCh37 (hg19) VCF-style: chr11-94212878-C-G.
Other names: c.364G>C, p.Val122Leu (NM_001330347.2, NM_005590.4); short protein forms V122L.
Identifiers: ClinVar variation 230471 (VCV000230471.8), dbSNP rs876658586, ClinGen allele CA10579411.
Genomic context (GRCh38, chr11:94,479,712, plus strand): 5'-ACTCTAAGAAAACAATAATTACCCCTGTGGGATCGTCATGATTGCCATGAATACTAAACA[C>G]TGGAATTGAAATGTTGAGGTTGCCATCTTGATAGTTCACCCATGGAAACCTTAAAAAAAA-3'
Protein context (NP_005582.1, residues 112-132): QDGNLNISIP[Val122Leu]FSIHGNHDDP

ClinVar aggregate classification (germline): Uncertain significance. Review status: criteria provided, multiple submitters, no conflicts (2 of 4 stars). 2 submissions from 2 submitters: Uncertain significance (2). Last evaluated 2019-06-18.

Conditions:
Hereditary cancer-predisposing syndrome. Also called: Neoplastic Syndromes, Hereditary; Tumor predisposition; Hereditary Cancer Syndrome; Hereditary neoplastic syndrome. Identifiers: Orphanet 140162, MedGen C0027672, MeSH D009386, MONDO:0015356.
Ataxia-telangiectasia-like disorder 1 (ATLD1). Identifiers: Orphanet 251347, MedGen C4012790, MONDO:0024557, OMIM 604391.

Allele frequency attached by ClinVar (database versions not stated): gnomAD exomes 0.00002.
gnomAD v4.1: 22 of 1,612,982 alleles (0.0014%); highest among the groups gnomAD compares: Non-Finnish European, 0.0019%; no homozygotes.

Submissions (2):

Revvity Omics, Revvity
Classification: Uncertain significance for Ataxia-telangiectasia-like disorder 1. Last evaluated: 2019-06-18. Review status: criteria provided, single submitter. Criteria: ACMG Guidelines, 2015. Collection method: clinical testing. Allele origin: germline.

Ambry Genetics
Classification: Uncertain significance for Hereditary cancer-predisposing syndrome. Last evaluated: 2015-09-28. Review status: criteria provided, single submitter. Criteria: Ambry Variant Classification Scheme 2023. Collection method: clinical testing. Allele origin: germline.
Comment: The p.V122L variant (also known as c.364G>C), located in coding exon 4 of the MRE11A gene, results from a G to C substitution at nucleotide position 364. The valine at codon 122 is replaced by leucine, an amino acid with highly similar properties. This variant was not reported in population based cohorts in the following databases: Database of Single Nucleotide Polymorphisms (dbSNP), NHLBI Exome Sequencing Project (ESP), and 1000 Genomes Project. In the ESP, this variant was not observed in 6499 samples (12998 alleles) with coverage at this position. To date, this alteration has been detected with an allele frequency of approximately 0.003% (greater than 65000 alleles tested) in our clinical cohort. This amino acid position is well conserved in available vertebrate species. In addition, the in silico prediction for this alteration is inconclusive. Since supporting evidence is limited at this time, the clinical significance of p.V122L remains unclear.